The following is an entry in ClinVar:

NM_014714.4(IFT140):c.2200-1G>C

Gene: IFT140 (intraflagellar transport 140; minus strand). Cytogenetic location: 16p13.3.
Variant type: single nucleotide variant.
Coding change: c.2200-1G>C on transcript NM_014714.4 (MANE Select); the canonical splice acceptor site of the intron before coding-DNA position 2200, G replaced by C.
Molecular consequence: splice acceptor variant.
Genome position (GRCh38, 1-based): chr16:1,558,135, C>G on the plus strand (G>C on the coding strand, the complement: IFT140 is on the minus strand). VCF-style: chr16-1558135-C-G. GRCh37 (hg19) VCF-style: chr16-1608136-C-G.
Identifiers: ClinVar variation 3236046 (VCV003236046.1), dbSNP rs2507094628, ClinGen allele CA394201396.

ClinVar aggregate classification (germline): Likely pathogenic (1 of 4 stars; one submission).

Conditions:
Retinitis pigmentosa 80 (RP80). Identifiers: MedGen C4540439, MONDO:0054708, OMIM 617781.

Submission:

MVZ Medizinische Genetik Mainz
Classification: Likely pathogenic for Retinitis pigmentosa 80. Last evaluated: 2023-05-11. Review status: criteria provided, single submitter. Criteria: UK Practice Guidelines For Variant Classification V4 01 2020. Collection method: clinical testing. Allele origin: germline. Inheritance: Autosomal dominant inheritance. Affected: yes. Observed: 1 variant allele.
Comment: ACMG Criteria: PVS1,PM2_SUP